The following is an entry in ClinVar:

NM_000275.3(OCA2):c.1560C>A (p.Leu520=)

Gene: OCA2 (OCA2 melanosomal transmembrane protein; minus strand). Cytogenetic location: 15q13.1.
Variant type: single nucleotide variant.
Coding change: c.1560C>A on transcript NM_000275.3 (MANE Select); coding-DNA position 1560, C replaced by A.
Protein change: p.Leu520=; no amino-acid change (leucine 520 retained).
Molecular consequence: synonymous variant.
Genome position (GRCh38, 1-based): chr15:27,966,766, G>T on the plus strand (C>A on the coding strand, the complement: OCA2 is on the minus strand). VCF-style: chr15-27966766-G-T. GRCh37 (hg19) VCF-style: chr15-28211912-G-T.
Other names: c.1488C>A, p.Leu496= (NM_001300984.2).
Identifiers: ClinVar variation 885238 (VCV000885238.40), dbSNP rs140932222, ClinGen allele CA7438990.

ClinVar aggregate classification (germline): Conflicting classifications of pathogenicity. Review status: criteria provided, conflicting classifications (1 of 4 stars). 5 submissions from 5 submitters: Uncertain significance (1); Benign (1); Likely benign (3). Last evaluated 2026-07-01.

Conditions:
Tyrosinase-positive oculocutaneous albinism (OCA2). Also called: ALBINISM II; Oculocutaneous albinism type 2; Albinism, oculocutaneous, type II. Identifiers: Orphanet 79432, MedGen C0268495, MONDO:0008746, OMIM 203200.

Allele frequency attached by ClinVar (database versions not stated): 1000 Genomes Project 30x 0.00031; ESP Exome Variant Server 0.00038; 1000 Genomes Project 0.00040; TOPMed 0.00049; gnomAD exomes 0.00141 and 0.00187; gnomAD 0.00164 and 0.00176; ExAC 0.00172.
gnomAD v4.1: 2,297 of 1,613,638 alleles (0.14%); highest among the groups gnomAD compares: Non-Finnish European, 0.1%; 13 homozygotes.

Submissions (5):

CeGaT Center for Human Genetics Tuebingen
Classification: Likely benign. Last evaluated: 2026-07-01. Review status: criteria provided, single submitter. Criteria: CeGaT Center For Human Genetics Tuebingen Variant Classification Criteria Version 2. Collection method: clinical testing. Allele origin: germline. Affected: yes. Observed: 3 variant alleles.
Comment: OCA2: BP4, BP7

Labcorp Genetics (formerly Invitae), Labcorp
Classification: Benign. Last evaluated: 2026-01-25. Review status: criteria provided, single submitter. Criteria: Invitae Variant Classification Sherloc (09022015). Collection method: clinical testing. Allele origin: germline.

Blueprint Genetics
Classification: Likely benign. Last evaluated: 2024-11-12. Review status: criteria provided, single submitter. Criteria: ACMG Guidelines, 2015. Collection method: clinical testing. Allele origin: germline.

Genome-Nilou Lab
Classification: Likely benign for Tyrosinase-positive oculocutaneous albinism. Last evaluated: 2021-11-07. Review status: criteria provided, single submitter. Criteria: ACMG Guidelines, 2015. Collection method: clinical testing. Allele origin: germline. Affected: no.

Illumina Laboratory Services, Illumina
Classification: Uncertain significance for Tyrosinase-positive oculocutaneous albinism. Last evaluated: 2017-04-28. Review status: criteria provided, single submitter. Criteria: ICSL Variant Classification Criteria 13 December 2019. Collection method: clinical testing. Allele origin: germline.